The following is an entry in ClinVar:

ClinVar aggregate classification (germline): Pathogenic. Review status: criteria provided, multiple submitters, no conflicts (2 of 4 stars). 4 submissions from 4 submitters: Pathogenic (3). 1 of the submissions does not count toward it. Last evaluated 2025-10-08.

Conditions:
Renal tubular acidosis with progressive nerve deafness. Also called: Distal Renal Tubular Acidosis with Progressive Sensorineural Deafness; renal tubular acidosis, distal, 2, with progressive sensorineural hearing loss; RENAL TUBULAR ACIDOSIS, AUTOSOMAL RECESSIVE, WITH PROGRESSIVE NERVE DEAFNESS; RTA WITH PROGRESSIVE NERVE DEAFNESS. Identifiers: MedGen C0403554, MONDO:0009968, OMIM 267300.

Allele frequency attached by ClinVar (database versions not stated): TOPMed below 0.00001.

Submissions (4):

Women's Health and Genetics/Laboratory Corporation of America, LabCorp
Classification: Pathogenic for Renal tubular acidosis with progressive nerve deafness. Last evaluated: 2025-10-08. Review status: criteria provided, single submitter. Criteria: LabCorp Variant Classification Summary - May 2015. Collection method: clinical testing. Allele origin: germline.
Comment: Variant summary: ATP6V1B1 c.484G>T (p.Glu162X) results in a premature termination codon, predicted to cause a truncation of the encoded protein or absence of the protein due to nonsense mediated decay, which are commonly known mechanisms for disease. The variant was absent in 251352 control chromosomes. c.484G>T has been observed in individual(s) affected with Renal Tubular Acidosis (example: Palazzo_2017). The following publication has been ascertained in the context of this evaluation (PMID: 28233610). ClinVar contains an entry for this variant (Variation ID: 554501). Based on the evidence outlined above, the variant was classified as pathogenic.

Natera, Inc.
Classification: Pathogenic for Renal tubular acidosis with progressive nerve deafness. Last evaluated: 2024-07-26. Review status: criteria provided, single submitter. Criteria: Natera Variant Classification Schema (03/2026). Collection method: clinical testing. Allele origin: germline.
Comment: The c.484G>T variant in ATP6V1B1 is a nonsense variant predicted to introduce a stop codon at amino acid 162. This variant is expected to result in nonsense mediated decay, truncation, or a dysfunctional protein product. This variant is rare in the general population with a frequency below the threshold expected for the associated phenotype(s). This variant has been observed in one or more individuals affected with the associated recessive disease, as either homozygous or compound heterozygous with a second variant (PMID: 28233610). Given the available evidence, this variant is classified as Pathogenic.

Fulgent Genetics
Classification: Pathogenic for Renal tubular acidosis with progressive nerve deafness. Last evaluated: 2022-04-05. Review status: criteria provided, single submitter. Criteria: ACMG Guidelines, 2015. Collection method: clinical testing. Allele origin: unknown.

Counsyl
Classification: Likely pathogenic for Renal tubular acidosis with progressive nerve deafness. Last evaluated: 2017-10-24. Review status: no assertion criteria provided. Collection method: clinical testing. Allele origin: unknown. Not counted in ClinVar's aggregate classification.

Literature cited by the submitters: PubMed 28233610 (cited by 3 submitters).

NM_001692.4(ATP6V1B1):c.484G>T (p.Glu162Ter)

Gene: ATP6V1B1 (ATPase H+ transporting V1 subunit B1; plus strand). Cytogenetic location: 2p13.3.
Variant type: single nucleotide variant.
Coding change: c.484G>T on transcript NM_001692.4 (MANE Select); coding-DNA position 484, G replaced by T.
Protein change: p.Glu162Ter; replaces glutamic acid 162 with a stop codon.
Molecular consequence: nonsense.
Genome position (GRCh38, 1-based): chr2:70,959,977, G>T. VCF-style: chr2-70959977-G-T. GRCh37 (hg19) VCF-style: chr2-71187107-G-T.
Other names: short protein forms E162*.
Identifiers: ClinVar variation 554501 (VCV000554501.6), dbSNP rs1553419751, ClinGen allele CA347181906.
Genomic context (GRCh38, chr2:70,959,977, plus strand): 5'-CTCTGTGATCGCCCTCTCCCAGGCCAGCCCATCAACCCGCACTCCCGCATCTACCCCGAG[G>T]AGATGATTCAGACGGGCATTTCTCCTATTGACGTCATGAACAGCATTGCCCGCGGCCAGA-3'